The following is an entry in ClinVar:

ClinVar aggregate classification (germline): Uncertain significance (1 of 4 stars; one submission).

Conditions:
Actin accumulation myopathy (CMYO2A). Also called: Nemaline myopathy type 3; Myopathy, actin, congenital, with excess of thin myofilaments; CONGENITAL MYOPATHY 2A, TYPICAL, AUTOSOMAL DOMINANT; Myopathy, actin, congenital, with cores; Nemaline myopathy 3, with intranuclear rods. Identifiers: Orphanet 98904, MedGen C3711389, MONDO:0008070, OMIM 161800.

gnomAD v4.1: 1 of 1,613,490 alleles (0.000062%); no homozygotes.

Submission:

Labcorp Genetics (formerly Invitae), Labcorp
Classification: Uncertain significance for Actin accumulation myopathy. Last evaluated: 2023-03-14. Review status: criteria provided, single submitter. Criteria: Invitae Variant Classification Sherloc (09022015). Collection method: clinical testing. Allele origin: germline.
Comment: This variant has not been reported in the literature in individuals affected with ACTA1-related conditions. In summary, the available evidence is currently insufficient to determine the role of this variant in disease. Therefore, it has been classified as a Variant of Uncertain Significance. Variants that disrupt the consensus splice site are a relatively common cause of aberrant splicing (PMID: 17576681, 9536098). Algorithms developed to predict the effect of sequence changes on RNA splicing suggest that this variant may disrupt the consensus splice site. This variant is not present in population databases (gnomAD no frequency). This sequence change falls in intron 2 of the ACTA1 gene. It does not directly change the encoded amino acid sequence of the ACTA1 protein. It affects a nucleotide within the consensus splice site.

Literature cited by the submitters: PubMed 17576681; PubMed 9536098.

NM_001100.4(ACTA1):c.129+4A>T

Gene: ACTA1 (actin alpha 1, skeletal muscle; minus strand). Cytogenetic location: 1q42.13.
Variant type: single nucleotide variant.
Coding change: c.129+4A>T on transcript NM_001100.4 (MANE Select); 4 bases into the intron after coding-DNA position 129, A replaced by T.
Molecular consequence: intron variant.
Genome position (GRCh38, 1-based): chr1:229,432,983, T>A on the plus strand (A>T on the coding strand, the complement: ACTA1 is on the minus strand). VCF-style: chr1-229432983-T-A. GRCh37 (hg19) VCF-style: chr1-229568730-T-A.
Identifiers: ClinVar variation 2914682 (VCV002914682.3), dbSNP rs2527439868, ClinGen allele CA2650926850.